The following is an entry in ClinVar:

NM_001385641.1(SAMD11):c.2325C>T (p.Ala775=)

Gene: SAMD11 (sterile alpha motif domain containing 11; plus strand). Cytogenetic location: 1p36.33.
Variant type: single nucleotide variant.
Coding change: c.2325C>T on transcript NM_001385641.1 (MANE Select); coding-DNA position 2325, C replaced by T.
Protein change: p.Ala775=; no amino-acid change (alanine 775 retained).
Molecular consequence: synonymous variant.
Genome position (GRCh38, 1-based): chr1:943,943, C>T. VCF-style: chr1-943943-C-T. GRCh37 (hg19) VCF-style: chr1-879323-C-T.
Other names: c.2328C>T, p.Ala776= (NM_001385640.1); c.1836C>T, p.Ala612= (NM_152486.4); c.1836C>T (NM_152486.2).
Identifiers: ClinVar variation 1158944 (VCV001158944.10), dbSNP rs199572036, ClinGen allele CA503339.

ClinVar aggregate classification (germline): Likely benign. Review status: criteria provided, multiple submitters, no conflicts (2 of 4 stars). 2 submissions from 2 submitters: Likely benign (2). Last evaluated 2026-05-06.

Conditions:
SAMD11-related disorder. Also called: SAMD11-related condition.

Allele frequency attached by ClinVar (database versions not stated): gnomAD 0.00002; gnomAD exomes 0.00002 and 0.00004; TOPMed 0.00002; ExAC 0.00003; 1000 Genomes Project 0.00020; 1000 Genomes Project 30x 0.00031.
gnomAD v4.1: 58 of 1,612,664 alleles (0.0036%); highest among the groups gnomAD compares: Non-Finnish European, 0.0047%; no homozygotes.

Submissions (2):

PreventionGenetics, part of Exact Sciences
Classification: Likely benign for SAMD11-related condition. Last evaluated: 2026-05-06. Review status: criteria provided, single submitter. Criteria: ACMG Guidelines, 2015. Collection method: clinical testing. Allele origin: germline.
Comment: This variant is classified as likely benign based on ACMG/AMP sequence variant interpretation guidelines (Richards et al. 2015 PMID: 25741868, with internal and published modifications).

Labcorp Genetics (formerly Invitae), Labcorp
Classification: Likely benign. Last evaluated: 2025-10-15. Review status: criteria provided, single submitter. Criteria: Invitae Variant Classification Sherloc (09022015). Collection method: clinical testing. Allele origin: germline.